The following is an entry in ClinVar:

ClinVar aggregate classification (germline): Uncertain significance (1 of 4 stars; one submission).

Conditions:
Nuclear pulverulent cataract (CTRCT2). Identifiers: MedGen C1852438, HP:0010698.

Submission:

Labcorp Genetics (formerly Invitae), Labcorp
Classification: Uncertain significance for Nuclear pulverulent cataract. Last evaluated: 2025-11-25. Review status: criteria provided, single submitter. Criteria: Invitae Variant Classification Sherloc (09022015). Collection method: clinical testing. Allele origin: germline.
Comment: This variant, c.459_461dup, results in the insertion of 1 amino acid(s) of the CRYGC protein (p.Arg153_Cys154insTrp), but otherwise preserves the integrity of the reading frame. This variant is present in population databases (no rsID available, gnomAD 0.006%). This variant has not been reported in the literature in individuals affected with CRYGC-related conditions. Experimental studies and prediction algorithms are not available or were not evaluated, and the functional significance of this variant is currently unknown. In summary, the available evidence is currently insufficient to determine the role of this variant in disease. Therefore, it has been classified as a Variant of Uncertain Significance.

NM_020989.4(CRYGC):c.459_461dup (p.Arg153_Cys154insTrp)

Genes: CRYGC (crystallin gamma C; minus strand), LOC100507443 (uncharacterized LOC100507443; plus strand). Cytogenetic location: 2q33.3.
Variant type: Duplication.
Coding change: c.459_461dup on transcript NM_020989.4 (MANE Select); coding-DNA positions 459 to 461, 3 bases duplicated (GTG; older notation c.459_461dupGTG).
Protein change: p.Arg153_Cys154insTrp.
Molecular consequence: inframe insertion.
Genome position (GRCh38, 1-based): chr2:208,128,267-208,128,269, CAC duplicated on the plus strand (GTG on the coding strand, the reverse complement: CRYGC is on the minus strand); duplicating any 3 consecutive bases within chr2:208,128,267-208,128,270 gives the same sequence; the c. name uses the placement nearest the transcript's 3' end. VCF-style (leftmost placement, unchanged base first): chr2-208128266-G-GCAC. GRCh37 (hg19) VCF-style: chr2-208992990-G-GCAC.
Identifiers: ClinVar variation 4738310 (VCV004738310.1).
Genomic context (GRCh38, chr2:208,128,266, plus strand): 5'-ATACAAATCCACCACTCTCCGCAAAGAGCCTGCCTTAGCATCCATGGCCCCCCAGTCCTG[G>GCAC]CACCGCCTGTACTCTTGGGGCCTCAGCAGGTATTGCCGCCCCCGGTAGTTGGGCAGCTCG-3'